The following is an entry in ClinVar:

ClinVar aggregate classification (germline): Uncertain significance. Review status: criteria provided, multiple submitters, no conflicts (2 of 4 stars). 3 submissions from 3 submitters: Uncertain significance (3). Last evaluated 2025-09-10.

Conditions:
AHDC1-related intellectual disability - obstructive sleep apnea - mild dysmorphism syndrome. Also called: Xia-Gibbs syndrome. Identifiers: Orphanet 412069, MedGen C4014419, MONDO:0014358, OMIM 615829.
Inborn genetic diseases. Identifiers: MedGen C0950123, MeSH D030342.

Allele frequency attached by ClinVar (database versions not stated): TOPMed 0.00001; gnomAD 0.00002.
gnomAD v4.1: 15 of 1,552,546 alleles (0.00097%); highest among the groups gnomAD compares: Admixed American, 0.0038%; no homozygotes.

Submissions (3):

Ambry Genetics
Classification: Uncertain significance for Inborn genetic diseases. Last evaluated: 2025-09-10. Review status: criteria provided, single submitter. Criteria: Ambry Variant Classification Scheme 2023. Collection method: clinical testing. Allele origin: germline.

Labcorp Genetics (formerly Invitae), Labcorp
Classification: Uncertain significance. Last evaluated: 2023-11-18. Review status: criteria provided, single submitter. Criteria: Invitae Variant Classification Sherloc (09022015). Collection method: clinical testing. Allele origin: germline.
Comment: This sequence change replaces tyrosine, which is neutral and polar, with cysteine, which is neutral and slightly polar, at codon 1002 of the AHDC1 protein (p.Tyr1002Cys). This variant is not present in population databases (gnomAD no frequency). This variant has not been reported in the literature in individuals affected with AHDC1-related conditions. ClinVar contains an entry for this variant (Variation ID: 1699468). An algorithm developed to predict the effect of missense changes on protein structure and function (PolyPhen-2) suggests that this variant is likely to be disruptive. In summary, the available evidence is currently insufficient to determine the role of this variant in disease. Therefore, it has been classified as a Variant of Uncertain Significance.

Victorian Clinical Genetics Services, Murdoch Childrens Research Institute
Classification: Uncertain significance for AHDC1-related intellectual disability - obstructive sleep apnea - mild dysmorphism syndrome. Last evaluated: 2022-06-24. Review status: criteria provided, single submitter. Criteria: ACMG Guidelines, 2015. Collection method: clinical testing. Allele origin: germline. Inheritance: Autosomal dominant inheritance.
Comment: Based on the classification scheme VCGS_Germline_v1.3.4, this variant is classified as VUS-3C. Following criteria are met: 0105 - The mechanism of disease for this gene is not clearly established. Dominant-negative has been proposed as a potential disease mechanism without being functionally proven (PMID: 24791903). (I) 0107 - This gene is associated with autosomal dominant disease. (I) 0200 - Variant is predicted to result in a missense amino acid change from tyrosine to cysteine. (I) 0251 - This variant is heterozygous. (I) 0302 - Variant is present in gnomAD (v3) <0.001 for a dominant condition (3 heterozygotes, 0 homozygotes). (SP) 0502 - Missense variant with conflicting in silico predictions and uninformative conservation. (I) 0604 - Variant is not located in an established domain, motif, hotspot or informative constraint region. (I) 0705 - No comparable missense variants have previous evidence for pathogenicity. (I) 0807 - This variant has no previous evidence of pathogenicity. (I) 0905 - No published segregation evidence has been identified for this variant. (I) 1007 - No published functional evidence has been identified for this variant. (I) 1208 - Inheritance information for this variant is not currently available in this individual. (I) Legend: (SP) - Supporting pathogenic, (I) - Information, (SB) - Supporting benign

Literature cited by the submitters: PubMed 24791903 (cited by Victorian Clinical Genetics Services, Murdoch Childrens Research Institute).

NM_001371928.1(AHDC1):c.3005A>G (p.Tyr1002Cys)

Gene: AHDC1 (AT-hook DNA binding motif containing 1; minus strand). Cytogenetic location: 1p36.11.
Variant type: single nucleotide variant.
Coding change: c.3005A>G on transcript NM_001371928.1 (MANE Select); coding-DNA position 3005, A replaced by G.
Protein change: p.Tyr1002Cys; replaces tyrosine 1002 with cysteine.
Molecular consequence: missense variant.
Genome position (GRCh38, 1-based): chr1:27,549,111, T>C on the plus strand (A>G on the coding strand, the complement: AHDC1 is on the minus strand). VCF-style: chr1-27549111-T-C. GRCh37 (hg19) VCF-style: chr1-27875622-T-C.
Other names: c.3005A>G (NM_001029882.2); c.3005A>G, p.Tyr1002Cys (NM_001029882.3); short protein forms Y1002C.
Identifiers: ClinVar variation 1699468 (VCV001699468.10), dbSNP rs914917557, ClinGen allele CA339228698.